The following is an entry in ClinVar:

ClinVar aggregate classification (germline): Uncertain significance (1 of 4 stars; one submission).

Submission:

Labcorp Genetics (formerly Invitae), Labcorp
Classification: Uncertain significance. Last evaluated: 2025-02-13. Review status: criteria provided, single submitter. Criteria: Invitae Variant Classification Sherloc (09022015). Collection method: clinical testing. Allele origin: germline.
Comment: This sequence change replaces glutamic acid, which is acidic and polar, with glycine, which is neutral and non-polar, at codon 279 of the SIX5 protein (p.Glu279Gly). This variant is present in population databases (no rsID available, gnomAD 0.007%). This variant has not been reported in the literature in individuals affected with SIX5-related conditions. Invitae Evidence Modeling of protein sequence and biophysical properties (such as structural, functional, and spatial information, amino acid conservation, physicochemical variation, residue mobility, and thermodynamic stability) indicates that this missense variant is expected to disrupt SIX5 protein function with a positive predictive value of 80%. In summary, the available evidence is currently insufficient to determine the role of this variant in disease. Therefore, it has been classified as a Variant of Uncertain Significance.

NM_175875.5(SIX5):c.836A>G (p.Glu279Gly)

Genes: SIX5 (SIX homeobox 5; minus strand), LOC107075317 (origin of replication in DMPK trinucleotide repeat region; plus strand). Cytogenetic location: 19q13.32.
Variant type: single nucleotide variant.
Coding change: c.836A>G on transcript NM_175875.5 (MANE Select); coding-DNA position 836, A replaced by G.
Protein change: p.Glu279Gly; replaces glutamic acid 279 with glycine.
Molecular consequence: missense variant.
Genome position (GRCh38, 1-based): chr19:45,767,123, T>C on the plus strand (A>G on the coding strand, the complement: SIX5 is on the minus strand). VCF-style: chr19-45767123-T-C. GRCh37 (hg19) VCF-style: chr19-46270381-T-C.
Other names: short protein forms E279G.
Identifiers: ClinVar variation 3690297 (VCV003690297.2).